The following is an entry in ClinVar:

ClinVar aggregate classification (germline): Uncertain significance (1 of 4 stars; one submission).

Submission:

GeneDx
Classification: Uncertain significance. Last evaluated: 2025-02-18. Review status: criteria provided, single submitter. Criteria: GeneDx Variant Classification Process June 2021. Collection method: clinical testing. Allele origin: germline. Affected: yes.
Comment: Not observed at significant frequency in large population cohorts (gnomAD); Has not been previously published as pathogenic or benign to our knowledge; Nonsense variant predicted to result in protein truncation or nonsense mediated decay in a gene for which loss-of-function is not an established mechanism of disease

NM_181675.4(PPP2R2B):c.972C>A (p.Tyr324Ter)

Genes: PPP2R2B (protein phosphatase 2 regulatory subunit Bbeta; minus strand), PPP2R2B-AS2 (PPP2R2B antisense RNA 2; plus strand). Cytogenetic location: 5q32.
Variant type: single nucleotide variant.
Coding change: c.972C>A on transcript NM_181675.4 (MANE Select); coding-DNA position 972, C replaced by A.
Protein change: p.Tyr324Ter; replaces tyrosine 324 with a stop codon.
Molecular consequence: nonsense.
Genome position (GRCh38, 1-based): chr5:146,593,051, G>T on the plus strand (C>A on the coding strand, the complement: PPP2R2B is on the minus strand). VCF-style: chr5-146593051-G-T. GRCh37 (hg19) VCF-style: chr5-145972614-G-T.
Other names: c.990C>A, p.Tyr330Ter (NM_001271899.1); c.1146C>A, p.Tyr382Ter (NM_001271900.2); c.939C>A, p.Tyr313Ter (NM_001271948.2, NM_181678.2); c.972C>A, p.Tyr324Ter (NM_001428277.1, NM_001428279.1); c.1170C>A, p.Tyr390Ter (NM_181674.3); c.981C>A, p.Tyr327Ter (NM_181676.3); c.912C>A, p.Tyr304Ter (NM_181677.2); short protein forms Y304*, Y313*, Y324*, Y327*, Y330*, Y382*, Y390*.
Identifiers: ClinVar variation 4075611 (VCV004075611.1).